The following is an entry in ClinVar:

ClinVar aggregate classification (germline): Likely pathogenic (1 of 4 stars; one submission).

Conditions:
X-linked Alport syndrome (ATS1). Also called: COL4A5-Related Nephropathy; NEPHROPATHY AND DEAFNESS, X-LINKED. Identifiers: Orphanet 63, Orphanet 88917, MedGen C4746986, MONDO:0010520, OMIM 301050.

Submission:

Fulgent Genetics
Classification: Likely pathogenic for X-linked Alport syndrome. Last evaluated: 2021-06-30. Review status: criteria provided, single submitter. Criteria: ACMG Guidelines, 2015. Collection method: clinical testing. Allele origin: unknown.
Comment: This variant has been detected in individual(s) who were sent for testing of Renasight - kidney gene panel.

NM_033380.3(COL4A5):c.3016+2T>C

Gene: COL4A5 (collagen type IV alpha 5 chain; plus strand). Cytogenetic location: Xq22.3.
Variant type: single nucleotide variant.
Coding change: c.3016+2T>C on transcript NM_033380.3 (MANE Select); the canonical splice donor site of the intron after coding-DNA position 3016, T replaced by C.
Molecular consequence: splice donor variant.
Genome position (GRCh38, 1-based): chrX:108,624,336, T>C. VCF-style: chrX-108624336-T-C. GRCh37 (hg19) VCF-style: chrX-107867566-T-C.
Other names: c.3016+2T>C (NM_000495.5).
Identifiers: ClinVar variation 1179044 (VCV001179044.2), dbSNP rs2147869403, ClinGen allele CA413854312.